The following is an entry in ClinVar:

ClinVar aggregate classification (germline): Uncertain significance (1 of 4 stars; one submission).

Conditions:
Bloom syndrome (BLM). Also called: Bloom-Torre-Machacek syndrome. Identifiers: Orphanet 125, MedGen C0005859, MONDO:0008876, OMIM 210900.

gnomAD v4.1: 2 of 1,614,150 alleles (0.00012%); highest among the groups gnomAD compares: Non-Finnish European, 0.00017%; no homozygotes.

Submission:

Labcorp Genetics (formerly Invitae), Labcorp
Classification: Uncertain significance for Bloom syndrome. Last evaluated: 2025-07-31. Review status: criteria provided, single submitter. Criteria: Invitae Variant Classification Sherloc (09022015). Collection method: clinical testing. Allele origin: germline.
Comment: This sequence change replaces phenylalanine, which is neutral and non-polar, with leucine, which is neutral and non-polar, at codon 89 of the BLM protein (p.Phe89Leu). This variant is not present in population databases (gnomAD no frequency). This variant has not been reported in the literature in individuals affected with BLM-related conditions. ClinVar contains an entry for this variant (Variation ID: 2990747). An algorithm developed to predict the effect of missense changes on protein structure and function (PolyPhen-2) suggests that this variant is likely to be tolerated. In summary, the available evidence is currently insufficient to determine the role of this variant in disease. Therefore, it has been classified as a Variant of Uncertain Significance.

NM_000057.4(BLM):c.267C>A (p.Phe89Leu)

Gene: BLM (BLM RecQ like helicase; plus strand). Cytogenetic location: 15q26.1.
Variant type: single nucleotide variant.
Coding change: c.267C>A on transcript NM_000057.4 (MANE Select); coding-DNA position 267, C replaced by A.
Protein change: p.Phe89Leu; replaces phenylalanine 89 with leucine.
Molecular consequence: missense variant. On other transcripts: 5 prime UTR variant (1).
Genome position (GRCh38, 1-based): chr15:90,749,535, C>A. VCF-style: chr15-90749535-C-A. GRCh37 (hg19) VCF-style: chr15-91292765-C-A.
Other names: c.267C>A, p.Phe89Leu (NM_001287246.2, NM_001287247.2); c.-1025C>A (NM_001287248.2); short protein forms F89L.
Identifiers: ClinVar variation 2990747 (VCV002990747.3), dbSNP rs758297574, ClinGen allele CA393840065.